The following is an entry in ClinVar:

NM_012199.5(AGO1):c.1066G>A (p.Asp356Asn)

Gene: AGO1 (argonaute RISC component 1; plus strand). Cytogenetic location: 1p34.3.
Variant type: single nucleotide variant.
Coding change: c.1066G>A on transcript NM_012199.5 (MANE Select); coding-DNA position 1066, G replaced by A.
Protein change: p.Asp356Asn; replaces aspartic acid 356 with asparagine.
Molecular consequence: missense variant.
Genome position (GRCh38, 1-based): chr1:35,901,519, G>A. VCF-style: chr1-35901519-G-A. GRCh37 (hg19) VCF-style: chr1-36367120-G-A.
Other names: c.1066G>A, p.Asp356Asn (NM_001317122.2); c.841G>A, p.Asp281Asn (NM_001317123.2); short protein forms D281N, D356N.
Identifiers: ClinVar variation 3276168 (VCV003276168.3).

ClinVar aggregate classification (germline): Likely pathogenic. Review status: criteria provided, multiple submitters, no conflicts (2 of 4 stars). 2 submissions from 2 submitters: Likely pathogenic (2). Last evaluated 2025-12-29.

Conditions:
Neurodevelopmental disorder with language delay and behavioral abnormalities, with or without seizures (NEDLBAS). Identifiers: MedGen C5830365, MONDO:0859531, OMIM 620292.
Inborn genetic diseases. Identifiers: MedGen C0950123, MeSH D030342.

Submissions (2):

3billion
Classification: Likely pathogenic for Neurodevelopmental disorder with language delay and behavioral abnormalities, with or without seizures. Last evaluated: 2025-12-29. Review status: criteria provided, single submitter. Criteria: ACMG Guidelines, 2015. Collection method: clinical testing. Allele origin: germline. Affected: yes.
Comment: The variant is not observed in the gnomAD v4.1.0 dataset. Predicted Consequence/Location: Missense variant. Missense changes are a common disease-causing mechanism. Damaging effect on gene or gene product predicted by in silico programs is uncertain [REVEL: 0.38 (damaging >=0.6, benign <0.4), 3Cnet: 0.59 (damaging >0.75, benign <0.1)]. The same nucleotide change resulting in the same amino acid change has been previously reported to be associated with AGO1-related disorder (ClinVar ID: VCV003276168).The variant has been previously reported as de novo in a similarly affected individual (Decipher: 304989). A different missense change at the same codon (p.Asp356Gly) has been reported to be associated with AGO1-related disorder (ClinVar ID: VCV004082190). Therefore, this variant is classified as Likely pathogenic according to the recommendation of ACMG/AMP guideline.

Ambry Genetics
Classification: Likely pathogenic for Inborn genetic diseases. Last evaluated: 2025-06-18. Review status: criteria provided, single submitter. Criteria: Ambry Variant Classification Scheme 2023. Collection method: clinical testing. Allele origin: germline.
Comment: The c.1066G>A (p.D356N) alteration is located in exon 9 (coding exon 9) of the AGO1 gene. This alteration results from a G to A substitution at nucleotide position 1066, causing the aspartic acid (D) at amino acid position 356 to be replaced by an asparagine (N). This variant was not reported in population-based cohorts in the Genome Aggregation Database (gnomAD). This variant was reported in individual(s) with features consistent with AGO1-related neurodevelopmental disorder; in at least one individual, it was determined to be de novo (external communication, Ambry internal data). This amino acid position is highly conserved in available vertebrate species. This alteration is predicted to be tolerated by in silico analysis. Based on the available evidence, this alteration is classified as likely pathogenic.